The following is an entry in ClinVar:

ClinVar aggregate classification (germline): Benign/Likely benign. Review status: criteria provided, multiple submitters, no conflicts (2 of 4 stars). 3 submissions from 3 submitters: Benign (1); Likely benign (2). Last evaluated 2026-07-08.

Conditions:
Hereditary cancer-predisposing syndrome. Also called: Hereditary neoplastic syndrome; Neoplastic Syndromes, Hereditary; Tumor predisposition; Hereditary Cancer Syndrome. Identifiers: Orphanet 140162, MedGen C0027672, MeSH D009386, MONDO:0015356.
Rhabdoid tumor predisposition syndrome 2 (RTPS2). Identifiers: Orphanet 231108, Orphanet 69077, MedGen C2750074, MONDO:0013224, OMIM 613325.

Allele frequency attached by ClinVar (database versions not stated): gnomAD exomes below 0.00001.
gnomAD v4.1: 6 of 1,613,802 alleles (0.00037%); highest among the groups gnomAD compares: Non-Finnish European, 0.00034%; no homozygotes.

Submissions (3):

Myriad Genetics, Inc.
Classification: Benign for Rhabdoid tumor predisposition syndrome 2. Last evaluated: 2026-07-08. Review status: criteria provided, single submitter. Criteria: Myriad Autosomal Dominant, Autosomal Recessive and X-Linked Classification Criteria (2023). Collection method: clinical testing. Allele origin: unknown.
Comment: This variant is considered benign. This variant is a silent/synonymous amino acid change and it is not expected to impact splicing.

Ambry Genetics
Classification: Likely benign for Hereditary cancer-predisposing syndrome. Last evaluated: 2024-08-19. Review status: criteria provided, single submitter. Criteria: Ambry Variant Classification Scheme 2023. Collection method: clinical testing. Allele origin: germline.

Labcorp Genetics (formerly Invitae), Labcorp
Classification: Likely benign for Rhabdoid tumor predisposition syndrome 2. Last evaluated: 2024-06-28. Review status: criteria provided, single submitter. Criteria: Invitae Variant Classification Sherloc (09022015). Collection method: clinical testing. Allele origin: germline.

NM_003072.5(SMARCA4):c.351C>T (p.Ser117=)

Gene: SMARCA4 (SWI/SNF related BAF chromatin remodeling complex subunit ATPase 4; plus strand). Cytogenetic location: 19p13.2.
Variant type: single nucleotide variant.
Coding change: c.351C>T on transcript NM_003072.5 (MANE Select); coding-DNA position 351, C replaced by T.
Protein change: p.Ser117=; no amino-acid change (serine 117 retained).
Molecular consequence: synonymous variant. On other transcripts: non-coding transcript variant (1).
Genome position (GRCh38, 1-based): chr19:10,985,401, C>T. VCF-style: chr19-10985401-C-T. GRCh37 (hg19) VCF-style: chr19-11096077-C-T.
Other names: c.351C>T, p.Ser117= (NM_001128844.3, NM_001128845.2, NM_001128846.2 and 4 more transcripts).
Identifiers: ClinVar variation 746195 (VCV000746195.12), dbSNP rs966478275, ClinGen allele CA305286226.